The following is an entry in ClinVar:

ClinVar aggregate classification (germline): Pathogenic (1 of 4 stars; one submission).

Conditions:
Nephronophthisis. Also called: Juvenile Nephronophthisis. Identifiers: Orphanet 655, MedGen C0687120, MONDO:0019005, HP:0000090.

Allele frequency attached by ClinVar (database versions not stated): gnomAD exomes below 0.00001.

Submission:

Labcorp Genetics (formerly Invitae), Labcorp
Classification: Pathogenic for Nephronophthisis. Last evaluated: 2024-01-24. Review status: criteria provided, single submitter. Criteria: Invitae Variant Classification Sherloc (09022015). Collection method: clinical testing. Allele origin: germline.
Comment: This sequence change creates a premature translational stop signal (p.Tyr501*) in the INVS gene. It is expected to result in an absent or disrupted protein product. Loss-of-function variants in INVS are known to be pathogenic (PMID: 12872123). This variant is not present in population databases (gnomAD no frequency). This variant has not been reported in the literature in individuals affected with INVS-related conditions. For these reasons, this variant has been classified as Pathogenic.

Literature cited by the submitters: PubMed 12872123.

NM_014425.5(INVS):c.1503C>G (p.Tyr501Ter)

Gene: INVS (inversin; plus strand). Cytogenetic location: 9q31.1.
Variant type: single nucleotide variant.
Coding change: c.1503C>G on transcript NM_014425.5 (MANE Select); coding-DNA position 1503, C replaced by G.
Protein change: p.Tyr501Ter; replaces tyrosine 501 with a stop codon.
Molecular consequence: nonsense. On other transcripts: non-coding transcript variant (1).
Genome position (GRCh38, 1-based): chr9:100,264,860, C>G. VCF-style: chr9-100264860-C-G. GRCh37 (hg19) VCF-style: chr9-103027142-C-G.
Other names: c.1215C>G, p.Tyr405Ter (NM_001318381.2); c.525C>G, p.Tyr175Ter (NM_001318382.2); short protein forms Y175*, Y405*, Y501*.
Identifiers: ClinVar variation 2895325 (VCV002895325.3), dbSNP rs2490036502, ClinGen allele CA374236497.